The following is an entry in ClinVar:

ClinVar aggregate classification (germline): Benign (1 of 4 stars; one submission).

Allele frequency attached by ClinVar (database versions not stated): 1000 Genomes Project 0.00240; 1000 Genomes Project 30x 0.00265; ExAC 0.00732; gnomAD 0.00763; TOPMed 0.00780; ESP Exome Variant Server 0.00992; gnomAD exomes 0.01161.
gnomAD v4.1: 18,071 of 1,613,696 alleles (1.1%); highest among the groups gnomAD compares: Non-Finnish European, 1.4%; 141 homozygotes.

Submission:

CeGaT Center for Human Genetics Tuebingen
Classification: Benign. Last evaluated: 2024-02-01. Review status: criteria provided, single submitter. Criteria: CeGaT Center For Human Genetics Tuebingen Variant Classification Criteria Version 2. Collection method: clinical testing. Allele origin: germline. Affected: yes. Observed: 1 variant allele.
Comment: CCDC17: BP4, BS1, BS2

NM_001114938.3(CCDC17):c.1408G>A (p.Val470Ile)

Gene: CCDC17 (coiled-coil domain containing 17; minus strand). Cytogenetic location: 1p34.1.
Variant type: single nucleotide variant.
Coding change: c.1408G>A on transcript NM_001114938.3 (MANE Select); coding-DNA position 1408, G replaced by A.
Protein change: p.Val470Ile; replaces valine 470 with isoleucine.
Molecular consequence: missense variant.
Genome position (GRCh38, 1-based): chr1:45,621,094, C>T on the plus strand (G>A on the coding strand, the complement: CCDC17 is on the minus strand). VCF-style: chr1-45621094-C-T. GRCh37 (hg19) VCF-style: chr1-46086766-C-T.
Other names: c.1381G>A, p.Val461Ile (NM_001190182.2); short protein forms V461I, V470I.
Identifiers: ClinVar variation 3024773 (VCV003024773.22), dbSNP rs17410855, ClinGen allele CA829362.
Genomic context (GRCh38, chr1:45,621,094, plus strand): 5'-GCTGTGGTGCCCTAGCCCATGCTAGCCCCTGCCAGACCTGCAGCTCACAGACCAAAGATA[C>T]TGATGATGAGGGTGGTAGTCTGTAGAATAACCAAAAAGCAGTGTCGGAAGCCAGAGCTAC-3'
Protein context (NP_001108410.2, residues 460-480): PVPRLPPSSS[Val470Ile]SLVCELQVWQ